The following is an entry in ClinVar:

ClinVar aggregate classification (germline): Benign. Review status: criteria provided, multiple submitters, no conflicts (2 of 4 stars). 2 submissions from 2 submitters: Benign (2). Last evaluated 2018-06-14.

Allele frequency attached by ClinVar (database versions not stated): 1000 Genomes Project 0.74141; 1000 Genomes Project 30x 0.74360; gnomAD 0.79635 and 0.78924; TOPMed 0.80167; gnomAD exomes 0.76767.

Submissions (2):

GeneDx
Classification: Benign. Last evaluated: 2018-06-14. Review status: criteria provided, single submitter. Criteria: GeneDx Variant Classification (06012015). Collection method: clinical testing. Allele origin: germline. Affected: yes.
Comment: This variant is considered likely benign or benign based on one or more of the following criteria: it is a conservative change, it occurs at a poorly conserved position in the protein, it is predicted to be benign by multiple in silico algorithms, and/or has population frequency not consistent with disease.

Breakthrough Genomics
Classification: Benign. Review status: criteria provided, single submitter. Criteria: ACMG Guidelines, 2015. Collection method: not provided. Allele origin: germline. Inheritance: Autosomal recessive inheritance. Affected: yes.

NM_006129.4(BMP1):c.-170A>G

Genes: BMP1 (bone morphogenetic protein 1; plus strand), LOC129999976 (ATAC-STARR-seq lymphoblastoid silent region 18982; plus strand). Cytogenetic location: 8p21.3.
Variant type: single nucleotide variant.
Coding change: c.-170A>G on transcript NM_006129.4; 170 bases upstream of the start codon, A replaced by G.
Genome position (GRCh38, 1-based): chr8:22,165,236, A>G. VCF-style: chr8-22165236-A-G. GRCh37 (hg19) VCF-style: chr8-22022749-A-G.
Identifiers: ClinVar variation 362573 (VCV000362573.9), dbSNP rs111596355, ClinGen allele CA10630740.